The following is an entry in ClinVar:

ClinVar aggregate classification (germline): Likely benign (1 of 4 stars; one submission).

Allele frequency attached by ClinVar (database versions not stated): gnomAD 0.00002; gnomAD exomes 0.00002; TOPMed 0.00003; ExAC 0.00007.
gnomAD v4.1: 28 of 1,608,988 alleles (0.0017%); highest among the groups gnomAD compares: Admixed American, 0.0084%; no homozygotes.

Submission:

CeGaT Center for Human Genetics Tuebingen
Classification: Likely benign. Last evaluated: 2026-06-01. Review status: criteria provided, single submitter. Criteria: CeGaT Center For Human Genetics Tuebingen Variant Classification Criteria Version 2. Collection method: clinical testing. Allele origin: germline. Affected: yes. Observed: 2 variant alleles.
Comment: SPEN: BP4, BP7

NM_015001.3(SPEN):c.9924C>T (p.Tyr3308=)

Gene: SPEN (spen family transcriptional repressor; plus strand). Cytogenetic location: 1p36.13.
Variant type: single nucleotide variant.
Coding change: c.9924C>T on transcript NM_015001.3 (MANE Select); coding-DNA position 9924, C replaced by T.
Protein change: p.Tyr3308=; no amino-acid change (tyrosine 3308 retained).
Molecular consequence: synonymous variant.
Genome position (GRCh38, 1-based): chr1:15,936,164, C>T. VCF-style: chr1-15936164-C-T. GRCh37 (hg19) VCF-style: chr1-16262659-C-T.
Identifiers: ClinVar variation 2638347 (VCV002638347.24), dbSNP rs779804838, ClinGen allele CA620593.
Genomic context (GRCh38, chr1:15,936,164, plus strand): 5'-GGTGACCCATGGGGTGCAGATTGTGCACTCCAGCGGGGAGCTGTTTCAAGAGTACCGGTA[C>T]GGCGACATCCGCACCTACCACCCCCCGGCCCAGCTCACACACACTCAGTTTCCCGCCGCT-3'
Protein context (NP_055816.2, residues 3298-3318): SSGELFQEYR[Tyr3308=]GDIRTYHPPA